The following is an entry in ClinVar:

ClinVar aggregate classification (germline): Uncertain significance (1 of 4 stars; one submission).

Allele frequency attached by ClinVar (database versions not stated): TOPMed below 0.00001; gnomAD 0.00001; gnomAD exomes below 0.00001.
gnomAD v4.1: 2 of 1,614,108 alleles (0.00012%); highest among the groups gnomAD compares: Admixed American, 0.0033%; no homozygotes.

Submission:

Labcorp Genetics (formerly Invitae), Labcorp
Classification: Uncertain significance. Last evaluated: 2025-03-31. Review status: criteria provided, single submitter. Criteria: Invitae Variant Classification Sherloc (09022015). Collection method: clinical testing. Allele origin: germline.
Comment: This sequence change replaces leucine, which is neutral and non-polar, with phenylalanine, which is neutral and non-polar, at codon 126 of the DHX32 protein (p.Leu126Phe). This variant is present in population databases (no rsID available, gnomAD 0.003%). This variant has not been reported in the literature in individuals affected with DHX32-related conditions. ClinVar contains an entry for this variant (Variation ID: 1387995). An algorithm developed to predict the effect of missense changes on protein structure and function (PolyPhen-2) suggests that this variant is likely to be disruptive. In summary, the available evidence is currently insufficient to determine the role of this variant in disease. Therefore, it has been classified as a Variant of Uncertain Significance.

NM_018180.3(DHX32):c.376C>T (p.Leu126Phe)

Gene: DHX32 (DEAH-box helicase 32 (putative); minus strand). Cytogenetic location: 10q26.2.
Variant type: single nucleotide variant.
Coding change: c.376C>T on transcript NM_018180.3 (MANE Select); coding-DNA position 376, C replaced by T.
Protein change: p.Leu126Phe; replaces leucine 126 with phenylalanine.
Molecular consequence: missense variant.
Genome position (GRCh38, 1-based): chr10:125,867,090, G>A on the plus strand (C>T on the coding strand, the complement: DHX32 is on the minus strand). VCF-style: chr10-125867090-G-A. GRCh37 (hg19) VCF-style: chr10-127555659-G-A.
Other names: short protein forms L126F.
Identifiers: ClinVar variation 1387995 (VCV001387995.6), dbSNP rs1164181189, ClinGen allele CA378680164.